The following is an entry in ClinVar:

ClinVar aggregate classification (germline): Pathogenic. Review status: criteria provided, multiple submitters, no conflicts (2 of 4 stars). 4 submissions from 4 submitters: Pathogenic (4). Last evaluated 2024-07-05.

Conditions:
Glutaric acidemia type 2C.
Multiple acyl-CoA dehydrogenase deficiency (MADD). Also called: Glutaric acidemia type II; GA 2; ETHYLMALONIC-ADIPICACIDURIA; GA II; Glutaric Acidemia type 2; Glutaric aciduria, type 2. Identifiers: Orphanet 26791, MedGen C0268596, MONDO:0009282, OMIM 231680.

Submissions (4):

Women's Health and Genetics/Laboratory Corporation of America, LabCorp
Classification: Pathogenic for Multiple acyl-CoA dehydrogenase deficiency. Last evaluated: 2024-07-05. Review status: criteria provided, single submitter. Criteria: LabCorp Variant Classification Summary - May 2015. Collection method: clinical testing. Allele origin: germline.
Comment: Variant summary: ETFDH c.872T>G (p.Val291Gly) results in a non-conservative amino acid change located in the ETF-QO/FixC, ubiquinone-binding domain (IPR049398) of the encoded protein sequence. Five of five in-silico tools predict a damaging effect of the variant on protein function. The variant was absent in 251362 control chromosomes. c.872T>G has been reported in the literature in multiple compound heterozygous individuals affected with Glutaric Aciduria, Type 2c (e.g. Wen_2010, Wen_2022). These data indicate that the variant is very likely to be associated with disease. The following publications have been ascertained in the context of this evaluation (PMID: 34718578, 19758981). ClinVar contains an entry for this variant (Variation ID: 1453914). Based on the evidence outlined above, the variant was classified as pathogenic.

Natera, Inc.
Classification: Pathogenic for Glutaric acidemia type 2C. Last evaluated: 2024-03-13. Review status: criteria provided, single submitter. Criteria: Natera Variant Classification Schema (03/2026). Collection method: clinical testing. Allele origin: germline.
Comment: The c.872T>G variant in ETFDH is a missense variant predicted to cause substitution of valine to glycine at amino acid 291. This variant is rare in the general population with a frequency below the threshold expected for the associated phenotype(s). This variant has been observed in one or more individuals affected with the associated recessive disease, as either homozygous or compound heterozygous with a second variant (PMID: 32190638, 24357026, 29336361). Computational prediction algorithms indicate this variant is likely to affect gene or protein function. Given the available evidence, this variant is classified as Pathogenic.

Baylor Genetics
Classification: Pathogenic for Multiple acyl-CoA dehydrogenase deficiency. Last evaluated: 2024-02-01. Review status: criteria provided, single submitter. Criteria: ACMG Guidelines, 2015. Collection method: clinical testing. Allele origin: unknown.

Labcorp Genetics (formerly Invitae), Labcorp
Classification: Pathogenic for Multiple acyl-CoA dehydrogenase deficiency. Last evaluated: 2023-10-22. Review status: criteria provided, single submitter. Criteria: Invitae Variant Classification Sherloc (09022015). Collection method: clinical testing. Allele origin: germline.
Comment: This sequence change replaces valine, which is neutral and non-polar, with glycine, which is neutral and non-polar, at codon 291 of the ETFDH protein (p.Val291Gly). This variant is not present in population databases (gnomAD no frequency). This missense change has been observed in individual(s) with ETFDH-related conditions (PMID: 19758981). In at least one individual the data is consistent with being in trans (on the opposite chromosome) from a pathogenic variant. ClinVar contains an entry for this variant (Variation ID: 1453914). Advanced modeling of protein sequence and biophysical properties (such as structural, functional, and spatial information, amino acid conservation, physicochemical variation, residue mobility, and thermodynamic stability) performed at Invitae indicates that this missense variant is expected to disrupt ETFDH protein function. For these reasons, this variant has been classified as Pathogenic.

Literature cited by the submitters: PubMed 19758981 (cited by Women's Health and Genetics/Laboratory Corporation of America, LabCorp and Labcorp Genetics (formerly Invitae), Labcorp); PubMed 34718578 (cited by Women's Health and Genetics/Laboratory Corporation of America, LabCorp); PubMed 32190638 (cited by Natera, Inc.); PubMed 24357026 (cited by Natera, Inc.); PubMed 29336361 (cited by Natera, Inc.).

NM_004453.4(ETFDH):c.872T>G (p.Val291Gly)

Gene: ETFDH (electron transfer flavoprotein dehydrogenase; plus strand). Cytogenetic location: 4q32.1.
Variant type: single nucleotide variant.
Coding change: c.872T>G on transcript NM_004453.4 (MANE Select); coding-DNA position 872, T replaced by G.
Protein change: p.Val291Gly; replaces valine 291 with glycine.
Molecular consequence: missense variant.
Genome position (GRCh38, 1-based): chr4:158,697,599, T>G. VCF-style: chr4-158697599-T-G. GRCh37 (hg19) VCF-style: chr4-159618751-T-G.
Other names: c.872T>G (NM_004453.3); c.731T>G, p.Val244Gly (NM_001281737.2); c.689T>G, p.Val230Gly (NM_001281738.1); short protein forms V230G, V244G, V291G.
Identifiers: ClinVar variation 1453914 (VCV001453914.12), dbSNP rs755907131, ClinGen allele CA358561364.